The following is an entry in ClinVar:

ClinVar aggregate classification (germline): Conflicting classifications of pathogenicity. Review status: criteria provided, conflicting classifications (1 of 4 stars). 3 submissions from 3 submitters: Uncertain significance (1); Benign (1); Likely benign (1). Last evaluated 2026-01-26.

Allele frequency attached by ClinVar (database versions not stated): gnomAD exomes 0.00029 and 0.00075; ExAC 0.00140; gnomAD 0.00301 and 0.00324; TOPMed 0.00315; 1000 Genomes Project 30x 0.00328; ESP Exome Variant Server 0.00333; 1000 Genomes Project 0.00339.
gnomAD v4.1: 905 of 1,592,588 alleles (0.057%); highest among the groups gnomAD compares: African/African-American, 1.1%; 5 homozygotes.

Submissions (3):

Labcorp Genetics (formerly Invitae), Labcorp
Classification: Benign. Last evaluated: 2026-01-26. Review status: criteria provided, single submitter. Criteria: Invitae Variant Classification Sherloc (09022015). Collection method: clinical testing. Allele origin: germline.

Ambry Genetics
Classification: Uncertain significance. Last evaluated: 2025-08-05. Review status: criteria provided, single submitter. Criteria: Ambry Variant Classification Scheme 2023. Collection method: clinical testing. Allele origin: germline.

CeGaT Center for Human Genetics Tuebingen
Classification: Likely benign. Last evaluated: 2023-11-01. Review status: criteria provided, single submitter. Criteria: CeGaT Center For Human Genetics Tuebingen Variant Classification Criteria Version 2. Collection method: clinical testing. Allele origin: germline. Affected: yes. Observed: 1 variant allele.
Comment: SLC27A5: BS1

NM_012254.3(SLC27A5):c.500C>T (p.Ala167Val)

Gene: SLC27A5 (solute carrier family 27 member 5; minus strand). Cytogenetic location: 19q13.43.
Variant type: single nucleotide variant.
Coding change: c.500C>T on transcript NM_012254.3 (MANE Select); coding-DNA position 500, C replaced by T.
Protein change: p.Ala167Val; replaces alanine 167 with valine.
Molecular consequence: missense variant. On other transcripts: intron variant (1).
Genome position (GRCh38, 1-based): chr19:58,511,456, G>A on the plus strand (C>T on the coding strand, the complement: SLC27A5 is on the minus strand). VCF-style: chr19-58511456-G-A. GRCh37 (hg19) VCF-style: chr19-59022823-G-A.
Other names: c.436+64C>T (NM_001321196.2); short protein forms A167V.
Identifiers: ClinVar variation 789123 (VCV000789123.32), dbSNP rs149541658, ClinGen allele CA9718274.